The following is an entry in ClinVar:

NM_170682.4(P2RX2):c.47G>C (p.Arg16Pro)

Gene: P2RX2 (purinergic receptor P2X 2; plus strand). Cytogenetic location: 12q24.33.
Variant type: single nucleotide variant.
Coding change: c.47G>C on transcript NM_170682.4 (MANE Select); coding-DNA position 47, G replaced by C.
Protein change: p.Arg16Pro; replaces arginine 16 with proline.
Molecular consequence: missense variant.
Genome position (GRCh38, 1-based): chr12:132,618,863, G>C. VCF-style: chr12-132618863-G-C. GRCh37 (hg19) VCF-style: chr12-133195449-G-C.
Other names: c.47G>C, p.Arg16Pro (NM_001282164.2, NM_001282165.2, NM_012226.5 and 4 more transcripts); short protein forms R16P.
Identifiers: ClinVar variation 4691281 (VCV004691281.1).

ClinVar aggregate classification (germline): Uncertain significance (1 of 4 stars; one submission).

gnomAD v4.1: 4 of 1,371,654 alleles (0.00029%); highest among the groups gnomAD compares: Middle Eastern, 0.02%; no homozygotes.

Submission:

Labcorp Genetics (formerly Invitae), Labcorp
Classification: Uncertain significance. Last evaluated: 2025-11-07. Review status: criteria provided, single submitter. Criteria: Invitae Variant Classification Sherloc (09022015). Collection method: clinical testing. Allele origin: germline.
Comment: This sequence change replaces arginine, which is basic and polar, with proline, which is neutral and non-polar, at codon 16 of the P2RX2 protein (p.Arg16Pro). This variant is present in population databases (no rsID available, gnomAD 0.006%). This variant has not been reported in the literature in individuals affected with P2RX2-related conditions. An algorithm developed to predict the effect of missense changes on protein structure and function (PolyPhen-2) suggests that this variant is likely to be disruptive. In summary, the available evidence is currently insufficient to determine the role of this variant in disease. Therefore, it has been classified as a Variant of Uncertain Significance.